The following is an entry in ClinVar:

NM_000755.5(CRAT):c.1787C>T (p.Ala596Val)

Gene: CRAT (carnitine O-acetyltransferase; minus strand). Cytogenetic location: 9q34.11.
Variant type: single nucleotide variant.
Coding change: c.1787C>T on transcript NM_000755.5 (MANE Select); coding-DNA position 1787, C replaced by T.
Protein change: p.Ala596Val; replaces alanine 596 with valine.
Molecular consequence: missense variant.
Genome position (GRCh38, 1-based): chr9:129,095,491, G>A on the plus strand (C>T on the coding strand, the complement: CRAT is on the minus strand). VCF-style: chr9-129095491-G-A. GRCh37 (hg19) VCF-style: chr9-131857770-G-A.
Other names: c.1724C>T, p.Ala575Val (NM_001257363.3, NM_004003.4); c.1790C>T, p.Ala597Val (NM_001346546.2); c.1715C>T, p.Ala572Val (NM_001346547.2); c.1652C>T, p.Ala551Val (NM_001346548.2); c.1667C>T, p.Ala556Val (NM_001346549.2); short protein forms A551V, A597V, A556V, A572V, A575V, A596V.
Identifiers: ClinVar variation 2405913 (VCV002405913.4), dbSNP rs769803786, ClinGen allele CA5275246.

ClinVar aggregate classification (germline): Uncertain significance. Review status: criteria provided, multiple submitters, no conflicts (2 of 4 stars). 2 submissions from 2 submitters: Uncertain significance (2). Last evaluated 2024-04-25.

Allele frequency attached by ClinVar (database versions not stated): ExAC 0.00001; gnomAD 0.00001; TOPMed 0.00003.

Submissions (2):

Labcorp Genetics (formerly Invitae), Labcorp
Classification: Uncertain significance. Last evaluated: 2024-04-25. Review status: criteria provided, single submitter. Criteria: Invitae Variant Classification Sherloc (09022015). Collection method: clinical testing. Allele origin: germline.
Comment: This sequence change replaces alanine, which is neutral and non-polar, with valine, which is neutral and non-polar, at codon 596 of the CRAT protein (p.Ala596Val). This variant is present in population databases (rs769803786, gnomAD 0.009%). This variant has not been reported in the literature in individuals affected with CRAT-related conditions. ClinVar contains an entry for this variant (Variation ID: 2405913). An algorithm developed to predict the effect of missense changes on protein structure and function (PolyPhen-2) suggests that this variant is likely to be tolerated. In summary, the available evidence is currently insufficient to determine the role of this variant in disease. Therefore, it has been classified as a Variant of Uncertain Significance.

Ambry Genetics
Classification: Uncertain significance. Last evaluated: 2022-01-19. Review status: criteria provided, single submitter. Criteria: Ambry Variant Classification Scheme 2023. Collection method: clinical testing. Allele origin: germline.